The following is an entry in ClinVar:

ClinVar aggregate classification (germline): Uncertain significance. Review status: criteria provided, multiple submitters, no conflicts (2 of 4 stars). 2 submissions from 2 submitters: Uncertain significance (2). Last evaluated 2023-08-11.

Conditions:
Hereditary cancer-predisposing syndrome. Also called: Neoplastic Syndromes, Hereditary; Tumor predisposition; Hereditary Cancer Syndrome; Hereditary neoplastic syndrome. Identifiers: Orphanet 140162, MedGen C0027672, MeSH D009386, MONDO:0015356.
Hereditary nonpolyposis colorectal neoplasms. Identifiers: MedGen C0009405, MeSH D003123.

Submissions (2):

Labcorp Genetics (formerly Invitae), Labcorp
Classification: Uncertain significance for Hereditary nonpolyposis colorectal neoplasms. Last evaluated: 2023-08-11. Review status: criteria provided, single submitter. Criteria: Invitae Variant Classification Sherloc (09022015). Collection method: clinical testing. Allele origin: germline.
Comment: In summary, the available evidence is currently insufficient to determine the role of this variant in disease. Therefore, it has been classified as a Variant of Uncertain Significance. This sequence change replaces threonine, which is neutral and polar, with asparagine, which is neutral and polar, at codon 820 of the PMS2 protein (p.Thr820Asn). The frequency data for this variant in the population databases (gnomAD) is considered unreliable due to the presence of homologous sequence, such as pseudogenes or paralogs, in the genome. This variant has not been reported in the literature in individuals affected with PMS2-related conditions. ClinVar contains an entry for this variant (Variation ID: 821312). Advanced modeling of protein sequence and biophysical properties (such as structural, functional, and spatial information, amino acid conservation, physicochemical variation, residue mobility, and thermodynamic stability) performed at Invitae indicates that this missense variant is expected to disrupt PMS2 protein function.

Ambry Genetics
Classification: Uncertain significance for Hereditary cancer-predisposing syndrome. Last evaluated: 2018-10-02. Review status: criteria provided, single submitter. Criteria: Ambry Variant Classification Scheme 2023. Collection method: clinical testing. Allele origin: germline.
Comment: The p.T820N variant (also known as c.2459C>A), located in coding exon 15 of the PMS2 gene, results from a C to A substitution at nucleotide position 2459. The threonine at codon 820 is replaced by asparagine, an amino acid with similar properties. This amino acid position is highly conserved in available vertebrate species. In addition, the in silico prediction for this alteration is inconclusive. Since supporting evidence is limited at this time, the clinical significance of this alteration remains unclear.

NM_000535.7(PMS2):c.2459C>A (p.Thr820Asn)

Gene: PMS2 (PMS1 homolog 2, mismatch repair system component; minus strand). Cytogenetic location: 7p22.1.
Variant type: single nucleotide variant.
Coding change: c.2459C>A on transcript NM_000535.7 (MANE Select); coding-DNA position 2459, C replaced by A.
Protein change: p.Thr820Asn; replaces threonine 820 with asparagine.
Molecular consequence: missense variant. On other transcripts: non-coding transcript variant (1).
Genome position (GRCh38, 1-based): chr7:5,973,529, G>T on the plus strand (C>A on the coding strand, the complement: PMS2 is on the minus strand). VCF-style: chr7-5973529-G-T. GRCh37 (hg19) VCF-style: chr7-6013160-G-T.
Other names: c.2054C>A, p.Thr685Asn (NM_001322003.2, NM_001322004.2, NM_001322005.2); c.2303C>A, p.Thr768Asn (NM_001322006.2); c.2141C>A, p.Thr714Asn (NM_001322007.2, NM_001322008.2); c.2087C>A, p.Thr696Asn (NM_001322009.2); c.1898C>A, p.Thr633Asn (NM_001322010.2); c.1526C>A, p.Thr509Asn (NM_001322011.2, NM_001322012.2); c.1886C>A, p.Thr629Asn (NM_001322013.2); c.2492C>A, p.Thr831Asn (NM_001322014.2); and 1 more; short protein forms T509N, T696N, T820N, T685N, T714N, T768N, T633N, T629N.
Identifiers: ClinVar variation 821312 (VCV000821312.7), dbSNP rs1583270329, ClinGen allele CA366735018.